The following is an entry in ClinVar:

ClinVar aggregate classification (germline): Likely benign. Review status: criteria provided, multiple submitters, no conflicts (2 of 4 stars). 5 submissions from 5 submitters: Likely benign (4). 1 of the submissions does not count toward it. Last evaluated 2025-12-16.

Conditions:
DDX41-related disorder. Also called: DDX41-related condition.
Inborn genetic diseases. Identifiers: MedGen C0950123, MeSH D030342.

Allele frequency attached by ClinVar (database versions not stated): 1000 Genomes Project 30x 0.00016; gnomAD 0.00017; TOPMed 0.00019; 1000 Genomes Project 0.00020; gnomAD exomes 0.00027 and 0.00033; ExAC 0.00035; ESP Exome Variant Server 0.00038.
gnomAD v4.1: 497 of 1,614,204 alleles (0.031%); highest among the groups gnomAD compares: Non-Finnish European, 0.039%; no homozygotes.

Submissions (5):

Labcorp Genetics (formerly Invitae), Labcorp
Classification: Likely benign. Last evaluated: 2025-12-16. Review status: criteria provided, single submitter. Criteria: Invitae Variant Classification Sherloc (09022015). Collection method: clinical testing. Allele origin: germline.

Blueprint Genetics
Classification: Likely benign. Last evaluated: 2024-11-19. Review status: criteria provided, single submitter. Criteria: ACMG Guidelines, 2015. Collection method: clinical testing. Allele origin: germline.

Ambry Genetics
Classification: Likely benign for Inborn genetic diseases. Last evaluated: 2024-08-21. Review status: criteria provided, single submitter. Criteria: Ambry Variant Classification Scheme 2023. Collection method: clinical testing. Allele origin: germline.

Genetic Services Laboratory, University of Chicago
Classification: Likely benign. Last evaluated: 2022-01-13. Review status: criteria provided, single submitter. Criteria: ACMG Guidelines, 2015. Collection method: clinical testing. Allele origin: germline. Affected: no.

PreventionGenetics, part of Exact Sciences
Classification: Likely benign for DDX41-related condition. Last evaluated: 2021-06-30. Review status: no assertion criteria provided. Collection method: clinical testing. Allele origin: germline. Not counted in ClinVar's aggregate classification.
Comment: This variant is classified as likely benign based on ACMG/AMP sequence variant interpretation guidelines (Richards et al. 2015 PMID: 25741868, with internal and published modifications).

NM_016222.4(DDX41):c.291G>A (p.Lys97=)

Gene: DDX41 (DEAD-box helicase 41; minus strand). Cytogenetic location: 5q35.3.
Variant type: single nucleotide variant.
Coding change: c.291G>A on transcript NM_016222.4 (MANE Select); coding-DNA position 291, G replaced by A.
Protein change: p.Lys97=; no amino-acid change (lysine 97 retained).
Molecular consequence: synonymous variant. On other transcripts: 5 prime UTR variant (2).
Genome position (GRCh38, 1-based): chr5:177,516,295, C>T on the plus strand (G>A on the coding strand, the complement: DDX41 is on the minus strand). VCF-style: chr5-177516295-C-T. GRCh37 (hg19) VCF-style: chr5-176943296-C-T.
Other names: c.291G>A (NM_016222.2); c.-88G>A (NM_001321732.2, NM_001321830.2).
Identifiers: ClinVar variation 1338190 (VCV001338190.12), dbSNP rs141619153, ClinGen allele CA3585292.